The following is an entry in ClinVar:

NM_000525.4(KCNJ11):c.329G>T (p.Cys110Phe)

Gene: KCNJ11 (potassium inwardly rectifying channel subfamily J member 11; minus strand). Cytogenetic location: 11p15.1.
Variant type: single nucleotide variant.
Coding change: c.329G>T on transcript NM_000525.4 (MANE Select); coding-DNA position 329, G replaced by T.
Protein change: p.Cys110Phe; replaces cysteine 110 with phenylalanine.
Molecular consequence: missense variant.
Genome position (GRCh38, 1-based): chr11:17,387,763, C>A on the plus strand (G>T on the coding strand, the complement: KCNJ11 is on the minus strand). VCF-style: chr11-17387763-C-A. GRCh37 (hg19) VCF-style: chr11-17409310-C-A.
Other names: c.68G>T, p.Cys23Phe (NM_001166290.2, NM_001377296.1, NM_001377297.1); short protein forms C110F, C23F.
Identifiers: ClinVar variation 2630821 (VCV002630821.3), dbSNP rs1306643774, ClinGen allele CA379774404.

ClinVar aggregate classification (germline): Uncertain significance. Review status: criteria provided, single submitter (1 of 4 stars). 2 submissions from 2 submitters: Uncertain significance (1). 1 of the submissions does not count toward it. Last evaluated 2025-10-30.

Conditions:
Maturity-onset diabetes of the young type 13. Also called: MODY, TYPE 13. Identifiers: Orphanet 552, MedGen C4225365, MONDO:0014589, OMIM 616329.
KCNJ11-related disorder. Also called: KCNJ11-related condition; KCNJ11-related disorders.

Allele frequency attached by ClinVar (database versions not stated): TOPMed below 0.00001.

Submissions (2):

MVZ Medizinische Genetik Mainz
Classification: Uncertain significance for Maturity-onset diabetes of the young type 13. Last evaluated: 2025-10-30. Review status: criteria provided, single submitter. Criteria: UK Practice Guidelines For Variant Classification V4 01 2020. Collection method: clinical testing. Allele origin: germline. Inheritance: Autosomal dominant inheritance. Observed: 1 variant allele.
Comment: ACMG Criteria: PP3_STR,PM2_SUP

PreventionGenetics, part of Exact Sciences
Classification: Uncertain significance for KCNJ11-related condition. Last evaluated: 2024-03-26. Review status: no assertion criteria provided. Collection method: clinical testing. Allele origin: germline. Not counted in ClinVar's aggregate classification.
Comment: The KCNJ11 c.329G>T variant is predicted to result in the amino acid substitution p.Cys110Phe. To our knowledge, this variant has not been reported in the literature or in a large population database, indicating this variant is rare. At this time, the clinical significance of this variant is uncertain due to the absence of conclusive functional and genetic evidence.